The following is an entry in ClinVar:

NM_013247.5(HTRA2):c.298G>A (p.Gly100Arg)

Gene: HTRA2 (HtrA serine peptidase 2; plus strand). Cytogenetic location: 2p13.1.
Variant type: single nucleotide variant.
Coding change: c.298G>A on transcript NM_013247.5 (MANE Select); coding-DNA position 298, G replaced by A.
Protein change: p.Gly100Arg; replaces glycine 100 with arginine.
Molecular consequence: missense variant. On other transcripts: non-coding transcript variant (1).
Genome position (GRCh38, 1-based): chr2:74,530,304, G>A. VCF-style: chr2-74530304-G-A. GRCh37 (hg19) VCF-style: chr2-74757431-G-A.
Other names: c.298G>A, p.Gly100Arg (NM_001321727.1, NM_001321728.1, NM_145074.2); short protein forms G100R.
Identifiers: ClinVar variation 1418119 (VCV001418119.3), dbSNP rs573642218, ClinGen allele CA1728318.

ClinVar aggregate classification (germline): Uncertain significance (1 of 4 stars; one submission).

Allele frequency attached by ClinVar (database versions not stated): gnomAD exomes below 0.00001; gnomAD 0.00001; ExAC 0.00004; 1000 Genomes Project 30x 0.00016; 1000 Genomes Project 0.00020.
gnomAD v4.1: 6 of 1,601,116 alleles (0.00037%); highest among the groups gnomAD compares: East Asian, 0.0068%; no homozygotes.

Submission:

Labcorp Genetics (formerly Invitae), Labcorp
Classification: Uncertain significance. Last evaluated: 2021-10-10. Review status: criteria provided, single submitter. Criteria: Invitae Variant Classification Sherloc (09022015). Collection method: clinical testing. Allele origin: germline.
Comment: This sequence change replaces glycine with arginine at codon 100 of the HTRA2 protein (p.Gly100Arg). The glycine residue is moderately conserved and there is a moderate physicochemical difference between glycine and arginine. This variant is present in population databases (rs573642218, ExAC 0.05%). This variant has not been reported in the literature in individuals affected with HTRA2-related conditions. Algorithms developed to predict the effect of missense changes on protein structure and function are either unavailable or do not agree on the potential impact of this missense change (SIFT: "Deleterious"; PolyPhen-2: "Probably Damaging"; Align-GVGD: "Class C0"). In summary, the available evidence is currently insufficient to determine the role of this variant in disease. Therefore, it has been classified as a Variant of Uncertain Significance.